The following is an entry in ClinVar:

ClinVar aggregate classification (germline): Likely benign (0 of 4 stars; one submission).

Conditions:
SLC17A9-related disorder. Also called: SLC17A9-related condition.

Allele frequency attached by ClinVar (database versions not stated): 1000 Genomes Project 30x 0.00016; 1000 Genomes Project 0.00020; ExAC 0.00076; gnomAD 0.00077; TOPMed 0.00098.
gnomAD v4.1: 1,675 of 1,550,402 alleles (0.11%); highest among the groups gnomAD compares: Non-Finnish European, 0.13%; 2 homozygotes.

Submission:

PreventionGenetics, part of Exact Sciences
Classification: Likely benign for SLC17A9-related condition. Last evaluated: 2019-07-26. Review status: no assertion criteria provided. Collection method: clinical testing. Allele origin: germline.
Comment: This variant is classified as likely benign based on ACMG/AMP sequence variant interpretation guidelines (Richards et al. 2015 PMID: 25741868, with internal and published modifications).

NM_022082.4(SLC17A9):c.59+342C>A

Gene: SLC17A9 (solute carrier family 17 member 9; plus strand). Cytogenetic location: 20q13.33.
Variant type: single nucleotide variant.
Coding change: c.59+342C>A on transcript NM_022082.4 (MANE Select); 342 bases into the intron after coding-DNA position 59, C replaced by A.
Molecular consequence: intron variant. On other transcripts: 5 prime UTR variant (1).
Genome position (GRCh38, 1-based): chr20:62,953,231, C>A. VCF-style: chr20-62953231-C-A. GRCh37 (hg19) VCF-style: chr20-61584583-C-A.
Other names: c.-1C>A (NM_001302643.2).
Identifiers: ClinVar variation 3034667 (VCV003034667.2), dbSNP rs578117224, ClinGen allele CA9952744.